The following is an entry in ClinVar:

ClinVar aggregate classification (germline): Uncertain significance (1 of 4 stars; one submission).

Conditions:
Hereditary hemorrhagic telangiectasia (HHT). Also called: ORW DISEASE; Osler Weber Rendu syndrome; OSLER-RENDU-WEBER DISEASE; Osler hemorrhagic telangiectasia syndrome. Identifiers: Orphanet 774, MedGen C0039445, MONDO:0019180. Disease mechanism: loss of function.

Submission:

Labcorp Genetics (formerly Invitae), Labcorp
Classification: Uncertain significance for Hereditary hemorrhagic telangiectasia. Last evaluated: 2022-04-12. Review status: criteria provided, single submitter. Criteria: Invitae Variant Classification Sherloc (09022015). Collection method: clinical testing. Allele origin: germline.
Comment: This variant results in a copy number gain of the genomic region encompassing exon(s) 4-8 of the ENG gene. While the exact position of this variant cannot be determined from the data, sub-genic copy number gains are generally in tandem (PMID: 25640679). This variant is predicted to be in-frame, and likely preserves the integrity of the reading frame. A similar copy number variant has been observed in individual(s) with hereditary hemorrhagic telangiectasia (PMID: 16705692). Experimental studies and prediction algorithms are not available or were not evaluated, and the functional significance of this variant is currently unknown. In summary, the available evidence is currently insufficient to determine the role of this variant in disease. Therefore, it has been classified as a Variant of Uncertain Significance.

Literature cited by the submitters: PubMed 25640679; PubMed 16705692.

NC_000009.11:g.(?_130586563)_(130588971_?)dup

Gene: ENG (endoglin; minus strand). Cytogenetic location: 9q34.11.
Variant type: Duplication.
Identifiers: ClinVar variation 2422373 (VCV002422373.6).